The following is an entry in ClinVar:

ClinVar aggregate classification (germline): Pathogenic (1 of 4 stars; one submission).

Conditions:
Usher syndrome type 1F (USH1F). Also called: USHER SYNDROME, TYPE IF. Identifiers: Orphanet 231169, Orphanet 886, MedGen C1865885, MONDO:0011186, OMIM 602083.

Submission:

Myriad Genetics, Inc.
Classification: Pathogenic for Usher syndrome type 1F. Last evaluated: 2025-05-17. Review status: criteria provided, single submitter. Criteria: Myriad Autosomal Dominant, Autosomal Recessive and X-Linked Classification Criteria (2023). Collection method: clinical testing. Allele origin: unknown.
Comment: NM_033056.3(PCDH15):c.644dupT(L216Vfs*8) is a frameshift variant classified as pathogenic in the context of PCDH15-related disorders. L216Vfs*8 has not been observed in cases with relevant disease. Relevant functional assessments of this variant are not available in the literature. L216Vfs*8 has not been observed in referenced population frequency databases. In summary, NM_033056.3(PCDH15):c.644dupT(L216Vfs*8) is a frameshift variant in a gene where loss of function is a known mechanism of disease and is predicted to disrupt protein function. Please note: this variant was assessed in the context of healthy population screening.

NM_001384140.1(PCDH15):c.644dup (p.Leu216fs)

Gene: PCDH15 (protocadherin related 15; minus strand). Cytogenetic location: 10q21.1.
Variant type: Duplication.
Coding change: c.644dup on transcript NM_001384140.1 (MANE Select); coding-DNA position 644, one base duplicated (T; older notation c.644dupT).
Protein change: p.Leu216fs; shifts the reading frame from leucine 216.
Molecular consequence: frameshift variant. On other transcripts: intron variant (1).
Genome position (GRCh38, 1-based): chr10:54,329,657, A duplicated on the plus strand (T on the coding strand, the reverse complement: PCDH15 is on the minus strand). VCF-style (leftmost placement, unchanged base first): chr10-54329656-C-CA. GRCh37 (hg19) VCF-style: chr10-56089416-C-CA.
Other names: c.659dup, p.Leu221fs (NM_001142763.2, NM_001142771.2); c.644dup, p.Leu216fs (NM_001142764.2, NM_001142765.2, NM_001142766.2 and 7 more transcripts); c.578dup, p.Leu194fs (NM_001142768.2, NM_001142773.2, NM_001354404.2); c.659dup, p.Leu221Valfs (NM_001142769.4); c.595-12216dup (NM_001142767.2); short protein forms L194fs, L216fs, L221fs.
Identifiers: ClinVar variation 4081762 (VCV004081762.1).